The following is an entry in ClinVar:

ClinVar aggregate classification (germline): Uncertain significance (1 of 4 stars; one submission).

Conditions:
Dilated cardiomyopathy 1W (CMD1W). Identifiers: Orphanet 154, MedGen C1969639, MONDO:0012667, OMIM 611407.

gnomAD v4.1: 3 of 1,614,094 alleles (0.00019%); highest among the groups gnomAD compares: Non-Finnish European, 0.00025%; no homozygotes.

Submission:

Labcorp Genetics (formerly Invitae), Labcorp
Classification: Uncertain significance for Dilated cardiomyopathy 1W. Last evaluated: 2024-11-04. Review status: criteria provided, single submitter. Criteria: Invitae Variant Classification Sherloc (09022015). Collection method: clinical testing. Allele origin: germline.
Comment: This sequence change falls in intron 10 of the VCL gene. It does not directly change the encoded amino acid sequence of the VCL protein. It affects a nucleotide within the consensus splice site. This variant is not present in population databases (gnomAD no frequency). This variant has not been reported in the literature in individuals affected with VCL-related conditions. Variants that disrupt the consensus splice site are a relatively common cause of aberrant splicing (PMID: 17576681, 9536098). Algorithms developed to predict the effect of sequence changes on RNA splicing suggest that this variant is not likely to affect RNA splicing. In summary, the available evidence is currently insufficient to determine the role of this variant in disease. Therefore, it has been classified as a Variant of Uncertain Significance.

Literature cited by the submitters: PubMed 17576681; PubMed 9536098.

NM_014000.3(VCL):c.1352+4T>C

Gene: VCL (vinculin; plus strand). Cytogenetic location: 10q22.2.
Variant type: single nucleotide variant.
Coding change: c.1352+4T>C on transcript NM_014000.3 (MANE Select); 4 bases into the intron after coding-DNA position 1352, T replaced by C.
Molecular consequence: intron variant.
Genome position (GRCh38, 1-based): chr10:74,090,202, T>C. VCF-style: chr10-74090202-T-C. GRCh37 (hg19) VCF-style: chr10-75849960-T-C.
Other names: c.1352+4T>C (NM_003373.4).
Identifiers: ClinVar variation 3709081 (VCV003709081.2).